The following is an entry in ClinVar:

ClinVar aggregate classification (germline): Uncertain significance. Review status: criteria provided, multiple submitters, no conflicts (2 of 4 stars). 2 submissions from 2 submitters: Uncertain significance (2). Last evaluated 2025-06-05.

Allele frequency attached by ClinVar (database versions not stated): gnomAD exomes below 0.00001; ExAC 0.00001; TOPMed 0.00002; gnomAD 0.00001.
gnomAD v4.1: 3 of 1,613,956 alleles (0.00019%); highest among the groups gnomAD compares: Admixed American, 0.0033%; no homozygotes.

Submissions (2):

Mayo Clinic Laboratories, Mayo Clinic
Classification: Uncertain significance. Last evaluated: 2025-06-05. Review status: criteria provided, single submitter. Criteria: ACMG Guidelines, 2015. Collection method: clinical testing. Allele origin: germline. Observed: 1 variant allele.
Comment: PP3_strong, PM2_supporting

Labcorp Genetics (formerly Invitae), Labcorp
Classification: Uncertain significance. Last evaluated: 2022-11-01. Review status: criteria provided, single submitter. Criteria: Invitae Variant Classification Sherloc (09022015). Collection method: clinical testing. Allele origin: germline.
Comment: This sequence change replaces histidine, which is basic and polar, with arginine, which is basic and polar, at codon 224 of the SCO2 protein (p.His224Arg). This variant is not present in population databases (gnomAD no frequency). This variant has not been reported in the literature in individuals affected with SCO2-related conditions. Advanced modeling of protein sequence and biophysical properties (such as structural, functional, and spatial information, amino acid conservation, physicochemical variation, residue mobility, and thermodynamic stability) performed at Invitae indicates that this missense variant is expected to disrupt SCO2 protein function. In summary, the available evidence is currently insufficient to determine the role of this variant in disease. Therefore, it has been classified as a Variant of Uncertain Significance.

NM_005138.3(SCO2):c.671A>G (p.His224Arg)

Genes: NCAPH2 (non-SMC condensin II complex subunit H2; plus strand), SCO2 (synthesis of cytochrome C oxidase 2; minus strand). Cytogenetic location: 22q13.33.
Variant type: single nucleotide variant.
Coding change: c.671A>G on transcript NM_005138.3 (MANE Select); coding-DNA position 671, A replaced by G.
Protein change: p.His224Arg; replaces histidine 224 with arginine.
Molecular consequence: missense variant. On other transcripts: 3 prime UTR variant (2).
Genome position (GRCh38, 1-based): chr22:50,523,741, T>C on the plus strand (A>G on the coding strand, the complement: SCO2 is on the minus strand). VCF-style: chr22-50523741-T-C. GRCh37 (hg19) VCF-style: chr22-50962170-T-C.
Other names: p.His224Arg; c.671A>G (NM_005138.2); c.*366T>C (NM_001185011.2, NM_152299.4); c.671A>G, p.His224Arg (NM_001169109.2, NM_001169110.1, NM_001169111.2); short protein forms H224R.
Identifiers: ClinVar variation 2193987 (VCV002193987.2), dbSNP rs760947700, ClinGen allele CA10321147.
Genomic context (GRCh38, chr22:50,523,741, plus strand): 5'-CTCCGGCCGTAGTAATCCGTGAAGAGGCCGTCAGGGTTGAGCAGGTAGATGGCAATGGAG[T>C]GGTCCACGATGTAGTCCTGGTCCTCATCCTTGGGGCCTGCATTGTAGTACACGCGGTAAC-3'
Protein context (NP_005129.2, residues 214-234): KDEDQDYIVD[His224Arg]SIAIYLLNPD